The following is an entry in ClinVar:

NM_015335.5(MED13L):c.3520T>C (p.Tyr1174His)

Gene: MED13L (mediator complex subunit 13L; minus strand). Cytogenetic location: 12q24.21.
Variant type: single nucleotide variant.
Coding change: c.3520T>C on transcript NM_015335.5 (MANE Select); coding-DNA position 3520, T replaced by C.
Protein change: p.Tyr1174His; replaces tyrosine 1174 with histidine.
Molecular consequence: missense variant.
Genome position (GRCh38, 1-based): chr12:115,991,434, A>G on the plus strand (T>C on the coding strand, the complement: MED13L is on the minus strand). VCF-style: chr12-115991434-A-G. GRCh37 (hg19) VCF-style: chr12-116429239-A-G.
Other names: short protein forms Y1174H.
Identifiers: ClinVar variation 4885704 (VCV004885704.2).

ClinVar aggregate classification (germline): Uncertain significance (1 of 4 stars; one submission).

Submission:

Dasa
Classification: Uncertain significance. Last evaluated: 2025-01-02. Review status: criteria provided, single submitter. Criteria: DASA Assertion Criteria. Collection method: clinical testing. Allele origin: germline.
Comment: NM_015335.5(MED13L):c.3520T>C (p.Tyr1174His) is a missense variant that results in the substitution of tyrosine with histidine. This variant is absent from population databases. Computational prediction algorithms are consistent with a benign effect. The currently available literature and clinical evidence are not sufficient to establish a definitive association between this variant and the reported condition. Therefore, this variant is classified as a variant of uncertain significance.